The following is an entry in ClinVar:

ClinVar aggregate classification (germline): Pathogenic. Review status: criteria provided, multiple submitters, no conflicts (2 of 4 stars). 2 submissions from 2 submitters: Pathogenic (2). Last evaluated 2025-12-16.

Conditions:
Fanconi anemia complementation group C (FANCC). Also called: FANCONI PANCYTOPENIA, TYPE 3; FACC; Fanconi anemia, group C; FANCC-Related Fanconi Anemia. Identifiers: Orphanet 84, MedGen C3468041, MONDO:0009213, OMIM 227645.
Fanconi anemia (FA). Also called: Fanconi's anemia. Identifiers: Orphanet 84, MedGen C0015625, MeSH D005199, MONDO:0019391.

Submissions (2):

3billion
Classification: Pathogenic for Fanconi anemia complementation group C. Last evaluated: 2025-12-16. Review status: criteria provided, single submitter. Criteria: ACMG Guidelines, 2015. Collection method: clinical testing. Allele origin: germline. Affected: yes.
Comment: The variant is not observed in the gnomAD v4.1.0 dataset. Predicted Consequence/Location: Stop-gained (nonsense): predicted to result in a loss or disruption of normal protein function through nonsense-mediated decay (NMD) or protein truncation. Multiple pathogenic variants are reported downstream of the variant. The variant has been reported to be associated with FANCC-related disorder (ClinVar ID: VCV000835085). Therefore, this variant is classified as Pathogenic according to the recommendation of ACMG/AMP guideline.

Labcorp Genetics (formerly Invitae), Labcorp
Classification: Pathogenic for Fanconi anemia. Last evaluated: 2019-04-07. Review status: criteria provided, single submitter. Criteria: Invitae Variant Classification Sherloc (09022015). Collection method: clinical testing. Allele origin: germline.
Comment: This sequence change creates a premature translational stop signal (p.Lys151*) in the FANCC gene. It is expected to result in an absent or disrupted protein product. This variant is not present in population databases (ExAC no frequency). This variant has not been reported in the literature in individuals with FANCC-related conditions. Loss-of-function variants in FANCC are known to be pathogenic (PMID: 17924555). For these reasons, this variant has been classified as Pathogenic.

Literature cited by the submitters: PubMed 17924555 (cited by Labcorp Genetics (formerly Invitae), Labcorp).

NM_000136.3(FANCC):c.451A>T (p.Lys151Ter)

Gene: FANCC (FA complementation group C; minus strand). Cytogenetic location: 9q22.32.
Variant type: single nucleotide variant.
Coding change: c.451A>T on transcript NM_000136.3 (MANE Select); coding-DNA position 451, A replaced by T.
Protein change: p.Lys151Ter; replaces lysine 151 with a stop codon.
Molecular consequence: nonsense.
Genome position (GRCh38, 1-based): chr9:95,172,042, T>A on the plus strand (A>T on the coding strand, the complement: FANCC is on the minus strand). VCF-style: chr9-95172042-T-A. GRCh37 (hg19) VCF-style: chr9-97934324-T-A.
Other names: c.451A>T, p.Lys151Ter (NM_001243743.2, NM_001243744.2); short protein forms K151*.
Identifiers: ClinVar variation 835085 (VCV000835085.8), dbSNP rs1825714345, ClinGen allele CA374338703.